The following is an entry in ClinVar:

NM_032043.3(BRIP1):c.489C>G (p.Pro163=)

Gene: BRIP1 (BRCA1 interacting DNA helicase 1; minus strand). Cytogenetic location: 17q23.2.
Variant type: single nucleotide variant.
Coding change: c.489C>G on transcript NM_032043.3 (MANE Select); coding-DNA position 489, C replaced by G.
Protein change: p.Pro163=; no amino-acid change (proline 163 retained).
Molecular consequence: synonymous variant.
Genome position (GRCh38, 1-based): chr17:61,849,147, G>C on the plus strand (C>G on the coding strand, the complement: BRIP1 is on the minus strand). VCF-style: chr17-61849147-G-C. GRCh37 (hg19) VCF-style: chr17-59926508-G-C.
Identifiers: ClinVar variation 2089223 (VCV002089223.5), dbSNP rs746838904, ClinGen allele CA8690928.
Genomic context (GRCh38, chr17:61,849,147, plus strand): 5'-TGTAACTAACTGGGTTATTTACTGCCAATAAACTCTGTTTACCTGCTGTGTAGTTTCTAA[G>C]GGTCGAATTCTTTTCTTCTCTACTTGAAAATCATCATTTTCATCTCTGTATATGGATGCC-3'
Protein context (NP_114432.2, residues 153-173): DFQVEKKRIR[Pro163=]LETTQQIRKR

ClinVar aggregate classification (germline): Benign/Likely benign. Review status: criteria provided, multiple submitters, no conflicts (2 of 4 stars). 2 submissions from 2 submitters: Benign (1); Likely benign (1). Last evaluated 2024-10-23.

Conditions:
Familial cancer of breast. Also called: hereditary breast carcinoma; Hereditary breast cancer; BREAST CANCER, FAMILIAL. Identifiers: Orphanet 227535, MedGen C0346153, MONDO:0016419, OMIM 114480. Disease mechanism: loss of function.
Fanconi anemia complementation group J. Also called: BRIP1-Related Fanconi Anemia. Identifiers: Orphanet 84, MedGen C1836860, MONDO:0012187, OMIM 609054.

Allele frequency attached by ClinVar (database versions not stated): gnomAD exomes below 0.00001; ExAC 0.00001.

Submissions (2):

Labcorp Genetics (formerly Invitae), Labcorp
Classification: Likely benign for Familial cancer of breast; Fanconi anemia complementation group J. Last evaluated: 2024-10-23. Review status: criteria provided, single submitter. Criteria: Invitae Variant Classification Sherloc (09022015). Collection method: clinical testing. Allele origin: germline.

Myriad Genetics, Inc.
Classification: Benign for Familial cancer of breast. Last evaluated: 2024-08-21. Review status: criteria provided, single submitter. Criteria: Myriad Autosomal Dominant, Autosomal Recessive and X-Linked Classification Criteria (2023). Collection method: clinical testing. Allele origin: unknown.
Comment: This variant is considered benign. This variant is a silent/synonymous amino acid change and it is not expected to impact splicing.